The following is an entry in ClinVar:

NM_001261826.3(AP3D1):c.2257G>A (p.Gly753Ser)

Gene: AP3D1 (adaptor related protein complex 3 subunit delta 1; minus strand). Cytogenetic location: 19p13.3.
Variant type: single nucleotide variant.
Coding change: c.2257G>A on transcript NM_001261826.3 (MANE Select); coding-DNA position 2257, G replaced by A.
Protein change: p.Gly753Ser; replaces glycine 753 with serine.
Molecular consequence: missense variant.
Genome position (GRCh38, 1-based): chr19:2,115,311, C>T on the plus strand (G>A on the coding strand, the complement: AP3D1 is on the minus strand). VCF-style: chr19-2115311-C-T. GRCh37 (hg19) VCF-style: chr19-2115310-C-T.
Other names: c.2257G>A, p.Gly753Ser (NM_001374799.1, NM_003938.8); short protein forms G753S.
Identifiers: ClinVar variation 1975329 (VCV001975329.5), dbSNP rs753724262, ClinGen allele CA9058950.

ClinVar aggregate classification (germline): Uncertain significance (1 of 4 stars; one submission).

Allele frequency attached by ClinVar (database versions not stated): gnomAD exomes below 0.00001; TOPMed 0.00002; ExAC 0.00003.
gnomAD v4.1: 5 of 1,611,962 alleles (0.00031%); highest among the groups gnomAD compares: Admixed American, 0.0067%; no homozygotes.

Submission:

Labcorp Genetics (formerly Invitae), Labcorp
Classification: Uncertain significance. Last evaluated: 2022-10-26. Review status: criteria provided, single submitter. Criteria: Invitae Variant Classification Sherloc (09022015). Collection method: clinical testing. Allele origin: germline.
Comment: In summary, the available evidence is currently insufficient to determine the role of this variant in disease. Therefore, it has been classified as a Variant of Uncertain Significance. Algorithms developed to predict the effect of missense changes on protein structure and function (SIFT, PolyPhen-2, Align-GVGD) all suggest that this variant is likely to be tolerated. This variant has not been reported in the literature in individuals affected with AP3D1-related conditions. This variant is present in population databases (rs753724262, gnomAD 0.009%). This sequence change replaces glycine, which is neutral and non-polar, with serine, which is neutral and polar, at codon 753 of the AP3D1 protein (p.Gly753Ser).